The following is an entry in ClinVar:

NM_001369.3(DNAH5):c.11485_11495del (p.Leu3829fs)

Gene: DNAH5 (dynein axonemal heavy chain 5; minus strand). Cytogenetic location: 5p15.2.
Variant type: Deletion.
Coding change: c.11485_11495del on transcript NM_001369.3 (MANE Select); coding-DNA positions 11485 to 11495, 11 bases deleted (CTCATTACTGA).
Protein change: p.Leu3829fs; shifts the reading frame from leucine 3829.
Molecular consequence: frameshift variant.
Genome position (GRCh38, 1-based): chr5:13,735,893-13,735,903, TCAGTAATGAG deleted on the plus strand (CTCATTACTGA on the coding strand, the reverse complement: DNAH5 is on the minus strand). VCF-style (leftmost placement, unchanged base first): chr5-13735892-CTCAGTAATGAG-C. GRCh37 (hg19) VCF-style: chr5-13736001-CTCAGTAATGAG-C.
Other names: short protein forms L3829fs.
Identifiers: ClinVar variation 5013760 (VCV005013760.1).

ClinVar aggregate classification (germline): Pathogenic (1 of 4 stars; one submission).

Conditions:
Primary ciliary dyskinesia 3. Identifiers: Orphanet 244, MedGen C1837618, MONDO:0012085, OMIM 608644.

Submission:

Myriad Genetics, Inc.
Classification: Pathogenic for Primary ciliary dyskinesia 3. Last evaluated: 2024-11-16. Review status: criteria provided, single submitter. Criteria: Myriad Autosomal Dominant, Autosomal Recessive and X-Linked Classification Criteria (2023). Collection method: clinical testing. Allele origin: unknown.
Comment: NM_001369.2(DNAH5):c.11485_11495del11(L3829Dfs*5) is expected to be pathogenic in the context of primary ciliary dyskinesia, DNAH5-related. This variant is predicted to lead to an abnormal or absent protein product due to the creation of a premature termination codon in DNAH5, a gene where loss-of-function variants are known to be pathogenic. Please note: this variant was assessed in the context of healthy population screening.